The following is an entry in ClinVar:

NM_020987.5(ANK3):c.12596-456C>A

Gene: ANK3 (ankyrin 3; minus strand). Cytogenetic location: 10q21.2.
Variant type: single nucleotide variant.
Coding change: c.12596-456C>A on transcript NM_020987.5 (MANE Select); 456 bases into the intron before coding-DNA position 12596, C replaced by A.
Molecular consequence: intron variant. On other transcripts: missense variant (4).
Genome position (GRCh38, 1-based): chr10:60,059,886, G>T on the plus strand (C>A on the coding strand, the complement: ANK3 is on the minus strand). VCF-style: chr10-60059886-G-T. GRCh37 (hg19) VCF-style: chr10-61819644-G-T.
Other names: c.2279C>A, p.Thr760Asn (NM_001149.4); c.4859C>A, p.Thr1620Asn (NM_001204403.2); c.4880C>A, p.Thr1627Asn (NM_001204404.2); c.4877C>A, p.Thr1626Asn (NM_001320874.2); short protein forms T1620N, T1626N, T1627N, T760N.
Identifiers: ClinVar variation 3602848 (VCV003602848.1).
Genomic context (GRCh38, chr10:60,059,886, plus strand): 5'-TCTGCGGAATGCTCTATGTTCCCCTGGGAAGGCACTAGCCCATCACTCAGTCTACTAGGG[G>T]TTCTAAGGGGAGATTCTATGCTAGAGATATCACTAAAATAATCATCTTGCTGGAAAGGGG-3'

ClinVar aggregate classification (germline): Uncertain significance (1 of 4 stars; one submission).

gnomAD v4.1: 3 of 1,614,224 alleles (0.00019%); highest among the groups gnomAD compares: South Asian, 0.0011%; no homozygotes.

Submission:

GeneDx
Classification: Uncertain significance. Last evaluated: 2024-08-08. Review status: criteria provided, single submitter. Criteria: GeneDx Variant Classification Process June 2021. Collection method: clinical testing. Allele origin: germline. Affected: yes.
Comment: Not observed at significant frequency in large population cohorts (gnomAD); In silico analysis indicates that this missense variant does not alter protein structure/function; Has not been previously published as pathogenic or benign to our knowledge; Reported using an alternate transcript of the gene